The following is an entry in ClinVar:

ClinVar aggregate classification (germline): Pathogenic (1 of 4 stars; one submission).

Submission:

Labcorp Genetics (formerly Invitae), Labcorp
Classification: Pathogenic. Last evaluated: 2025-11-11. Review status: criteria provided, single submitter. Criteria: Invitae Variant Classification Sherloc (09022015). Collection method: clinical testing. Allele origin: germline.
Comment: This sequence change creates a premature translational stop signal (p.Gln88*) in the LMX1B gene. It is expected to result in an absent or disrupted protein product. Loss-of-function variants in LMX1B are known to be pathogenic (PMID: 9590287, 15498463). This variant is not present in population databases (gnomAD no frequency). This variant has not been reported in the literature in individuals affected with LMX1B-related conditions. ClinVar contains an entry for this variant (Variation ID: 2764790). For these reasons, this variant has been classified as Pathogenic.

Literature cited by the submitters: PubMed 9590287; PubMed 15498463.

NM_001174147.2(LMX1B):c.262C>T (p.Gln88Ter)

Gene: LMX1B (LIM homeobox transcription factor 1 beta; plus strand). Cytogenetic location: 9q33.3.
Variant type: single nucleotide variant.
Coding change: c.262C>T on transcript NM_001174147.2 (MANE Select); coding-DNA position 262, C replaced by T.
Protein change: p.Gln88Ter; replaces glutamine 88 with a stop codon.
Molecular consequence: nonsense.
Genome position (GRCh38, 1-based): chr9:126,615,505, C>T. VCF-style: chr9-126615505-C-T. GRCh37 (hg19) VCF-style: chr9-129377784-C-T.
Other names: c.262C>T, p.Gln88Ter (NM_001174146.2, NM_002316.4); short protein forms Q88*.
Identifiers: ClinVar variation 2764790 (VCV002764790.3), dbSNP rs2490518320, ClinGen allele CA374910113.